The following is an entry in ClinVar:

ClinVar aggregate classification (germline): Uncertain significance. Review status: criteria provided, multiple submitters, no conflicts (2 of 4 stars). 2 submissions from 2 submitters: Uncertain significance (2). Last evaluated 2024-11-22.

Conditions:
Melanoma, cutaneous malignant, susceptibility to, 5. Also called: Cutaneous malignant melanoma 5. Identifiers: Orphanet 618, MedGen C2751295, MONDO:0013133, OMIM 613099.

Allele frequency attached by ClinVar (database versions not stated): gnomAD 0.00001; TOPMed 0.00001; gnomAD exomes 0.00002.

Submissions (2):

Ambry Genetics
Classification: Uncertain significance. Last evaluated: 2024-11-22. Review status: criteria provided, single submitter. Criteria: Ambry Variant Classification Scheme 2023. Collection method: clinical testing. Allele origin: germline.
Comment: The p.H70P variant (also known as c.209A>C), located in coding exon 1 of the MC1R gene, results from an A to C substitution at nucleotide position 209. The histidine at codon 70 is replaced by proline, an amino acid with similar properties. This amino acid position is conserved. In addition, the in silico prediction for this alteration is inconclusive. Based on the available evidence, the clinical significance of this variant remains unclear.

Labcorp Genetics (formerly Invitae), Labcorp
Classification: Uncertain significance for Melanoma, cutaneous malignant, susceptibility to, 5. Last evaluated: 2022-10-13. Review status: criteria provided, single submitter. Criteria: Invitae Variant Classification Sherloc (09022015). Collection method: clinical testing. Allele origin: germline.
Comment: In summary, the available evidence is currently insufficient to determine the role of this variant in disease. Therefore, it has been classified as a Variant of Uncertain Significance. Advanced modeling of protein sequence and biophysical properties (such as structural, functional, and spatial information, amino acid conservation, physicochemical variation, residue mobility, and thermodynamic stability) performed at Invitae indicates that this missense variant is expected to disrupt MC1R protein function. This variant has not been reported in the literature in individuals affected with MC1R-related conditions. This variant is present in population databases (no rsID available, gnomAD 0.002%). This sequence change replaces histidine, which is basic and polar, with proline, which is neutral and non-polar, at codon 70 of the MC1R protein (p.His70Pro).

NM_002386.4(MC1R):c.209A>C (p.His70Pro)

Gene: MC1R (melanocortin 1 receptor; plus strand). Cytogenetic location: 16q24.3.
Variant type: single nucleotide variant.
Coding change: c.209A>C on transcript NM_002386.4 (MANE Select); coding-DNA position 209, A replaced by C.
Protein change: p.His70Pro; replaces histidine 70 with proline.
Molecular consequence: missense variant.
Genome position (GRCh38, 1-based): chr16:89,919,467, A>C. VCF-style: chr16-89919467-A-C. GRCh37 (hg19) VCF-style: chr16-89985875-A-C.
Other names: short protein forms H70P.
Identifiers: ClinVar variation 1933042 (VCV001933042.7), dbSNP rs1212676023, ClinGen allele CA397459902.